The following is an entry in ClinVar:

NM_002250.3(KCNN4):c.228C>G (p.Ile76Met)

Gene: KCNN4 (potassium calcium-activated channel subfamily N member 4; minus strand). Cytogenetic location: 19q13.31.
Variant type: single nucleotide variant.
Coding change: c.228C>G on transcript NM_002250.3 (MANE Select); coding-DNA position 228, C replaced by G.
Protein change: p.Ile76Met; replaces isoleucine 76 with methionine.
Molecular consequence: missense variant.
Genome position (GRCh38, 1-based): chr19:43,776,568, G>C on the plus strand (C>G on the coding strand, the complement: KCNN4 is on the minus strand). VCF-style: chr19-43776568-G-C. GRCh37 (hg19) VCF-style: chr19-44280720-G-C.
Other names: short protein forms I76M.
Identifiers: ClinVar variation 2628991 (VCV002628991.3), dbSNP rs144902329, ClinGen allele CA406204103.

ClinVar aggregate classification (germline): Uncertain significance. Review status: criteria provided, multiple submitters, no conflicts (2 of 4 stars). 2 submissions from 2 submitters: Uncertain significance (2). Last evaluated 2026-03-16.

Conditions:
Dehydrated hereditary stomatocytosis 2 (DHS2). Also called: XEROCYTOSIS GARDOS; DESICCYTOSIS GARDOS. Identifiers: Orphanet 3202, MedGen C4225242, MONDO:0014737, OMIM 616689.
KCNN4-related disorder. Also called: KCNN4-related condition.

gnomAD v4.1: 3 of 1,613,746 alleles (0.00019%); highest among the groups gnomAD compares: Admixed American, 0.0033%; no homozygotes.

Submissions (2):

PreventionGenetics, part of Exact Sciences
Classification: Uncertain significance for KCNN4-related condition. Last evaluated: 2026-03-16. Review status: criteria provided, single submitter. Criteria: ACMG Guidelines, 2015. Collection method: clinical testing. Allele origin: germline.
Comment: The KCNN4 c.228C>G variant is predicted to result in the amino acid substitution p.Ile76Met. To our knowledge, this variant has not been reported in the literature or in a large population database (gnomAD), indicating this variant is rare. At this time, the clinical significance of this variant is uncertain due to the absence of conclusive functional and genetic evidence.

Revvity Omics, Revvity
Classification: Uncertain significance for Dehydrated hereditary stomatocytosis 2. Last evaluated: 2024-09-09. Review status: criteria provided, single submitter. Criteria: ACMG Guidelines, 2015. Collection method: clinical testing. Allele origin: germline.